The following is an entry in ClinVar:

ClinVar aggregate classification (germline): Uncertain significance (1 of 4 stars; one submission).

Conditions:
Inborn genetic diseases. Identifiers: MedGen C0950123, MeSH D030342.

Allele frequency attached by ClinVar (database versions not stated): TOPMed 0.00006; ESP Exome Variant Server 0.00008; ExAC 0.00009; gnomAD 0.00009; gnomAD exomes 0.00012; 1000 Genomes Project 30x 0.00016; 1000 Genomes Project 0.00020.
gnomAD v4.1: 187 of 1,614,092 alleles (0.012%); highest among the groups gnomAD compares: Middle Eastern, 0.017%; no homozygotes.

Submission:

Ambry Genetics
Classification: Uncertain significance for Inborn genetic diseases. Last evaluated: 2022-05-02. Review status: criteria provided, single submitter. Criteria: Ambry Variant Classification Scheme 2023. Collection method: clinical testing. Allele origin: germline.
Comment: The c.2326A>T (p.T776S) alteration is located in exon 23 (coding exon 23) of the NUP188 gene. This alteration results from a A to T substitution at nucleotide position 2326, causing the threonine (T) at amino acid position 776 to be replaced by a serine (S). The p.T776S alteration is predicted to be tolerated by in silico analysis. Based on insufficient or conflicting evidence, the clinical significance of this alteration remains unclear.

NM_015354.3(NUP188):c.2326A>T (p.Thr776Ser)

Gene: NUP188 (nucleoporin 188; plus strand). Cytogenetic location: 9q34.11.
Variant type: single nucleotide variant.
Coding change: c.2326A>T on transcript NM_015354.3 (MANE Select); coding-DNA position 2326, A replaced by T.
Protein change: p.Thr776Ser; replaces threonine 776 with serine.
Molecular consequence: missense variant.
Genome position (GRCh38, 1-based): chr9:128,987,650, A>T. VCF-style: chr9-128987650-A-T. GRCh37 (hg19) VCF-style: chr9-131749929-A-T.
Other names: short protein forms T776S.
Identifiers: ClinVar variation 2253073 (VCV002253073.2), dbSNP rs150761831, ClinGen allele CA5272613.